The following is an entry in ClinVar:

ClinVar aggregate classification (germline): Uncertain significance. Review status: criteria provided, multiple submitters, no conflicts (2 of 4 stars). 2 submissions from 2 submitters: Uncertain significance (2). Last evaluated 2025-11-26.

Conditions:
Hereditary cancer-predisposing syndrome. Also called: Tumor predisposition; Hereditary Cancer Syndrome; Neoplastic Syndromes, Hereditary; Hereditary neoplastic syndrome. Identifiers: Orphanet 140162, MedGen C0027672, MeSH D009386, MONDO:0015356.
Rhabdoid tumor predisposition syndrome 2 (RTPS2). Identifiers: Orphanet 231108, Orphanet 69077, MedGen C2750074, MONDO:0013224, OMIM 613325.

gnomAD v4.1: 6 of 1,612,462 alleles (0.00037%); highest among the groups gnomAD compares: Non-Finnish European, 0.00051%; no homozygotes.

Submissions (2):

Ambry Genetics
Classification: Uncertain significance for Hereditary cancer-predisposing syndrome. Last evaluated: 2025-11-26. Review status: criteria provided, single submitter. Criteria: Ambry Variant Classification Scheme 2023. Collection method: clinical testing. Allele origin: germline.
Comment: The p.Y372N variant (also known as c.1114T>A), located in coding exon 5 of the SMARCA4 gene, results from a T to A substitution at nucleotide position 1114. The tyrosine at codon 372 is replaced by asparagine, an amino acid with dissimilar properties. This amino acid position is highly conserved in available vertebrate species. In addition, this alteration is predicted to be deleterious by in silico analysis. Based on the available evidence, the clinical significance of this variant remains unclear.

Labcorp Genetics (formerly Invitae), Labcorp
Classification: Uncertain significance for Rhabdoid tumor predisposition syndrome 2. Last evaluated: 2022-09-18. Review status: criteria provided, single submitter. Criteria: Invitae Variant Classification Sherloc (09022015). Collection method: clinical testing. Allele origin: germline.
Comment: This variant has not been reported in the literature in individuals affected with SMARCA4-related conditions. Advanced modeling of protein sequence and biophysical properties (such as structural, functional, and spatial information, amino acid conservation, physicochemical variation, residue mobility, and thermodynamic stability) performed at Invitae indicates that this missense variant is not expected to disrupt SMARCA4 protein function. In summary, the available evidence is currently insufficient to determine the role of this variant in disease. Therefore, it has been classified as a Variant of Uncertain Significance. This sequence change replaces tyrosine, which is neutral and polar, with asparagine, which is neutral and polar, at codon 372 of the SMARCA4 protein (p.Tyr372Asn). This variant is not present in population databases (gnomAD no frequency).

NM_003072.5(SMARCA4):c.1114T>A (p.Tyr372Asn)

Gene: SMARCA4 (SWI/SNF related BAF chromatin remodeling complex subunit ATPase 4; plus strand). Cytogenetic location: 19p13.2.
Variant type: single nucleotide variant.
Coding change: c.1114T>A on transcript NM_003072.5 (MANE Select); coding-DNA position 1114, T replaced by A.
Protein change: p.Tyr372Asn; replaces tyrosine 372 with asparagine.
Molecular consequence: missense variant. On other transcripts: non-coding transcript variant (1).
Genome position (GRCh38, 1-based): chr19:10,987,920, T>A. VCF-style: chr19-10987920-T-A. GRCh37 (hg19) VCF-style: chr19-11098596-T-A.
Other names: c.1114T>A, p.Tyr372Asn (NM_001128844.3, NM_001128845.2, NM_001128846.2 and 6 more transcripts); short protein forms Y372N.
Identifiers: ClinVar variation 1796004 (VCV001796004.9), dbSNP rs140192268, ClinGen allele CA404058963.